The following is an entry in ClinVar:

ClinVar aggregate classification (germline): Uncertain significance (1 of 4 stars; one submission).

Conditions:
Inborn genetic diseases. Identifiers: MedGen C0950123, MeSH D030342.

Submission:

Ambry Genetics
Classification: Uncertain significance for Inborn genetic diseases. Last evaluated: 2025-07-11. Review status: criteria provided, single submitter. Criteria: Ambry Variant Classification Scheme 2023. Collection method: clinical testing. Allele origin: germline.
Comment: The p.H1044D variant (also known as c.3130C>G), located in coding exon 14 of the MECOM gene, results from a C to G substitution at nucleotide position 3130. The histidine at codon 1044 is replaced by aspartic acid, an amino acid with similar properties. This amino acid position is conserved. In addition, this alteration is predicted to be tolerated by in silico analysis. Based on the available evidence, the clinical significance of this variant remains unclear.

NM_004991.4(MECOM):c.3130C>G (p.His1044Asp)

Gene: MECOM (MDS1 and EVI1 complex locus; minus strand). Cytogenetic location: 3q26.2.
Variant type: single nucleotide variant.
Coding change: c.3130C>G on transcript NM_004991.4 (MANE Select); coding-DNA position 3130, C replaced by G.
Protein change: p.His1044Asp; replaces histidine 1044 with aspartic acid.
Molecular consequence: missense variant.
Genome position (GRCh38, 1-based): chr3:169,092,992, G>C on the plus strand (C>G on the coding strand, the complement: MECOM is on the minus strand). VCF-style: chr3-169092992-G-C. GRCh37 (hg19) VCF-style: chr3-168810780-G-C.
Other names: c.2569C>G, p.His857Asp (NM_001366468.2, NM_001366467.2); c.2566C>G, p.His856Asp (NM_001366469.2, NM_005241.4, NM_001105078.4 and 1 more transcripts); c.2542C>G, p.His848Asp (NM_001366470.2, NM_001163999.2); c.2539C>G, p.His847Asp (NM_001366471.2, NM_001366472.2, NM_001164000.2); c.2131C>G, p.His711Asp (NM_001366473.2); c.1567C>G, p.His523Asp (NM_001366474.2); c.2761C>G, p.His921Asp (NM_001105077.4); c.3103C>G, p.His1035Asp (NM_001366466.2); short protein forms H1035D, H711D, H856D, H1044D, H857D, H847D, H523D, H848D.
Identifiers: ClinVar variation 4105762 (VCV004105762.1).